The following is an entry in ClinVar:

NM_001375567.1(FOCAD):c.4713C>T (p.Ile1571=)

Gene: FOCAD (focadhesin; plus strand). Cytogenetic location: 9p21.3.
Variant type: single nucleotide variant.
Coding change: c.4713C>T on transcript NM_001375567.1 (MANE Select); coding-DNA position 4713, C replaced by T.
Protein change: p.Ile1571=; no amino-acid change (isoleucine 1571 retained).
Molecular consequence: synonymous variant.
Genome position (GRCh38, 1-based): chr9:20,982,431, C>T. VCF-style: chr9-20982431-C-T. GRCh37 (hg19) VCF-style: chr9-20982430-C-T.
Other names: c.4608C>T, p.Ile1536= (NM_001375568.1, NM_001375570.1); c.4713C>T, p.Ile1571= (NM_017794.5).
Identifiers: ClinVar variation 3716052 (VCV003716052.2).

ClinVar aggregate classification (germline): Uncertain significance (1 of 4 stars; one submission).

gnomAD v4.1: 26 of 1,613,226 alleles (0.0016%); highest among the groups gnomAD compares: South Asian, 0.0022%; no homozygotes.

Submission:

Labcorp Genetics (formerly Invitae), Labcorp
Classification: Uncertain significance. Last evaluated: 2024-05-20. Review status: criteria provided, single submitter. Criteria: Invitae Variant Classification Sherloc (09022015). Collection method: clinical testing. Allele origin: germline.
Comment: This sequence change affects codon 1571 of the FOCAD mRNA. It is a 'silent' change, meaning that it does not change the encoded amino acid sequence of the FOCAD protein. This variant is present in population databases (rs372745033, gnomAD 0.003%). This variant has not been reported in the literature in individuals affected with FOCAD-related conditions. Experimental studies and prediction algorithms are not available or were not evaluated, and the effect of this variant on mRNA splicing is currently unknown. In summary, the available evidence is currently insufficient to determine the role of this variant in disease. Therefore, it has been classified as a Variant of Uncertain Significance.